The following is an entry in ClinVar:

NM_001040142.2(SCN2A):c.3542G>T (p.Cys1181Phe)

Gene: SCN2A (sodium voltage-gated channel alpha subunit 2; plus strand). Cytogenetic location: 2q24.3.
Variant type: single nucleotide variant.
Coding change: c.3542G>T on transcript NM_001040142.2 (MANE Select); coding-DNA position 3542, G replaced by T.
Protein change: p.Cys1181Phe; replaces cysteine 1181 with phenylalanine.
Molecular consequence: missense variant.
Genome position (GRCh38, 1-based): chr2:165,367,238, G>T. VCF-style: chr2-165367238-G-T. GRCh37 (hg19) VCF-style: chr2-166223748-G-T.
Other names: c.3542G>T, p.Cys1181Phe (NM_001040143.2, NM_001371246.1, NM_001371247.1 and 1 more transcripts); short protein forms C1181F.
Identifiers: ClinVar variation 2938319 (VCV002938319.3), dbSNP rs772298890, ClinGen allele CA1940133.

ClinVar aggregate classification (germline): Uncertain significance (1 of 4 stars; one submission).

Conditions:
Seizures, benign familial infantile, 3 (BFIS3). Also called: CONVULSIONS, BENIGN FAMILIAL INFANTILE, 3; Familial neonatal seizures. Identifiers: Orphanet 140927, Orphanet 306, MedGen C1843140, MONDO:0011904, OMIM 607745.
Developmental and epileptic encephalopathy, 11 (DEE11). Also called: Early infantile epileptic encephalopathy 11. Identifiers: Orphanet 1934, MedGen C3150987, MONDO:0013388, OMIM 613721.

Allele frequency attached by ClinVar (database versions not stated): gnomAD exomes below 0.00001; ExAC 0.00001.
gnomAD v4.1: 1 of 1,614,092 alleles (0.000062%); highest among the groups gnomAD compares: Non-Finnish European, 0.000085%; no homozygotes.

Submission:

Labcorp Genetics (formerly Invitae), Labcorp
Classification: Uncertain significance for Seizures, benign familial infantile, 3; Developmental and epileptic encephalopathy, 11. Last evaluated: 2024-01-22. Review status: criteria provided, single submitter. Criteria: Invitae Variant Classification Sherloc (09022015). Collection method: clinical testing. Allele origin: germline.
Comment: This sequence change replaces cysteine, which is neutral and slightly polar, with phenylalanine, which is neutral and non-polar, at codon 1181 of the SCN2A protein (p.Cys1181Phe). This variant is present in population databases (rs772298890, gnomAD 0.0009%). This variant has not been reported in the literature in individuals affected with SCN2A-related conditions. Advanced modeling of protein sequence and biophysical properties (such as structural, functional, and spatial information, amino acid conservation, physicochemical variation, residue mobility, and thermodynamic stability) performed at Invitae indicates that this missense variant is not expected to disrupt SCN2A protein function with a negative predictive value of 95%. In summary, the available evidence is currently insufficient to determine the role of this variant in disease. Therefore, it has been classified as a Variant of Uncertain Significance.